The following is an entry in ClinVar:

NM_000137.4(FAH):c.913+2T>C

Gene: FAH (fumarylacetoacetate hydrolase; plus strand). Cytogenetic location: 15q25.1.
Variant type: single nucleotide variant.
Coding change: c.913+2T>C on transcript NM_000137.4 (MANE Select); the canonical splice donor site of the intron after coding-DNA position 913, T replaced by C.
Molecular consequence: splice donor variant.
Genome position (GRCh38, 1-based): chr15:80,175,093, T>C. VCF-style: chr15-80175093-T-C. GRCh37 (hg19) VCF-style: chr15-80467435-T-C.
Other names: c.913+2T>C (NM_001374377.1, NM_001374380.1).
Identifiers: ClinVar variation 2671735 (VCV002671735.1), dbSNP rs2505856991, ClinGen allele CA393621379.
Genomic context (GRCh38, chr15:80,175,093, plus strand): 5'-GTATCTGTGCCATGACGAGCCCTACACATTTGACATCAACCTCTCTGTTAACCTGAAAGG[T>C]ATGTTGTAGGGGGACTGACATGGCCAGGAGCTCTGAGGCAATGTGTGCCTGTGTGCCTTG-3'

ClinVar aggregate classification (germline): Likely pathogenic (1 of 4 stars; one submission).

Conditions:
Tyrosinemia type I (TYRSN1). Also called: Tyrosinemia type 1; Fumarylacetoacetase deficiency; Deficiency of fumarylacetoacetase; FAH DEFICIENCY; HEPATORENAL TYROSINEMIA. Identifiers: Orphanet 882, MedGen C0268490, MONDO:0010161, OMIM 276700. Disease mechanism: loss of function.

Allele frequency attached by ClinVar (database versions not stated): gnomAD exomes below 0.00001.
gnomAD v4.1: 1 of 1,613,654 alleles (0.000062%); highest among the groups gnomAD compares: South Asian, 0.0011%; no homozygotes.

Submission:

Neuberg Centre For Genomic Medicine, NCGM
Classification: Likely pathogenic for Tyrosinemia type I. Last evaluated: 2023-02-14. Review status: criteria provided, single submitter. Criteria: ACMG Guidelines, 2015. Collection method: clinical testing. Allele origin: germline. Inheritance: Autosomal recessive inheritance. Affected: yes.
Comment: The invariant splice donor c.913+2T>C variant in FAH gene has not been reported previously as a pathogenic variant nor a benign variant, to our knowledge. The c.913+2T>C variant is novel (not in any individuals) in gnomAD Exomes and 1000 Genomes. This variant has not been reported to the ClinVar database. Loss of function variants have been previously reported to be disease causing. For these reasons, this variant has been classified as Likely Pathogenic.